The following is an entry in ClinVar:

ClinVar aggregate classification (germline): Likely benign (1 of 4 stars; one submission).

Allele frequency attached by ClinVar (database versions not stated): gnomAD 0.00001; TOPMed 0.00002.
gnomAD v4.1: 16 of 1,581,152 alleles (0.001%); highest among the groups gnomAD compares: African/African-American, 0.0027%; no homozygotes.

Submission:

CeGaT Center for Human Genetics Tuebingen
Classification: Likely benign. Last evaluated: 2023-05-01. Review status: criteria provided, single submitter. Criteria: CeGaT Center For Human Genetics Tuebingen Variant Classification Criteria Version 2. Collection method: clinical testing. Allele origin: germline. Affected: yes. Observed: 1 variant allele.
Comment: TP73: PP3, BS2

NM_005427.4(TP73):c.186+7738G>A

Gene: TP73 (tumor protein p73; plus strand). Cytogenetic location: 1p36.32.
Variant type: single nucleotide variant.
Coding change: c.186+7738G>A on transcript NM_005427.4 (MANE Select); 7738 bases into the intron after coding-DNA position 186, G replaced by A.
Molecular consequence: intron variant. On other transcripts: missense variant (6).
Genome position (GRCh38, 1-based): chr1:3,690,918, G>A. VCF-style: chr1-3690918-G-A. GRCh37 (hg19) VCF-style: chr1-3607482-G-A.
Other names: c.13G>A, p.Gly5Ser (NM_001126240.3, NM_001126241.3, NM_001126242.3 and 3 more transcripts); c.186+7738G>A (NM_001204184.2, NM_001204185.2, NM_001204187.2 and 2 more transcripts); short protein forms G5S.
Identifiers: ClinVar variation 2638104 (VCV002638104.24), dbSNP rs367573010, ClinGen allele CA549003.
Genomic context (GRCh38, chr1:3,690,918, plus strand): 5'-CCACGGGACACCAGTTCCCTGGCGTGTGCAGACCCCCCGGCGCCTACCATGCTGTACGTC[G>A]GTGACCCCGCACGGCACCTCGCCACGGTAGGTGTGACGCGCCATTCATAGGATCTCTTCG-3'